The following is an entry in ClinVar:

ClinVar aggregate classification (germline): Likely benign. Review status: criteria provided, multiple submitters, no conflicts (2 of 4 stars). 3 submissions from 3 submitters: Likely benign (3). Last evaluated 2026-01-16.

Conditions:
ALPK3-related disorder. Also called: ALPK3-related condition.
Cardiovascular phenotype. Identifiers: MedGen CN230736.

Allele frequency attached by ClinVar (database versions not stated): ExAC 0.00002; gnomAD 0.00004; TOPMed 0.00008.
gnomAD v4.1: 8 of 1,613,982 alleles (0.0005%); highest among the groups gnomAD compares: African/African-American, 0.011%; no homozygotes.

Submissions (3):

PreventionGenetics, part of Exact Sciences
Classification: Likely benign for ALPK3-related condition. Last evaluated: 2026-01-16. Review status: criteria provided, single submitter. Criteria: ACMG Guidelines, 2015. Collection method: clinical testing. Allele origin: germline.
Comment: This variant is classified as likely benign based on ACMG/AMP sequence variant interpretation guidelines (Richards et al. 2015 PMID: 25741868, with internal and published modifications).

Labcorp Genetics (formerly Invitae), Labcorp
Classification: Likely benign. Last evaluated: 2026-01-08. Review status: criteria provided, single submitter. Criteria: Invitae Variant Classification Sherloc (09022015). Collection method: clinical testing. Allele origin: germline.

Ambry Genetics
Classification: Likely benign for Cardiovascular phenotype. Last evaluated: 2020-01-02. Review status: criteria provided, single submitter. Criteria: Ambry Variant Classification Scheme 2023. Collection method: clinical testing. Allele origin: germline.

NM_020778.5(ALPK3):c.843C>A (p.Ala281=)

Gene: ALPK3 (alpha kinase 3; plus strand). Cytogenetic location: 15q25.3.
Variant type: single nucleotide variant.
Coding change: c.843C>A on transcript NM_020778.5 (MANE Select); coding-DNA position 843, C replaced by A.
Protein change: p.Ala281=; no amino-acid change (alanine 281 retained).
Molecular consequence: synonymous variant.
Genome position (GRCh38, 1-based): chr15:84,840,122, C>A. VCF-style: chr15-84840122-C-A. GRCh37 (hg19) VCF-style: chr15-85383353-C-A.
Identifiers: ClinVar variation 1613592 (VCV001613592.11), dbSNP rs763262979, ClinGen allele CA7709081.